The following is an entry in ClinVar:

NM_182706.5(SCRIB):c.3910-3dup

Gene: SCRIB (scribble planar cell polarity protein; minus strand). Cytogenetic location: 8q24.3.
Variant type: Duplication.
Coding change: c.3910-3dup on transcript NM_182706.5 (MANE Select); 3 bases into the intron before coding-DNA position 3910, one base duplicated (C; older notation c.3910-3dupC).
Molecular consequence: intron variant.
Genome position (GRCh38, 1-based): chr8:143,793,086, G duplicated on the plus strand (C on the coding strand, the reverse complement: SCRIB is on the minus strand); the first of 6 consecutive G bases (chr8:143,793,086-143,793,091); duplicating any one gives the same sequence. VCF-style (leftmost placement, unchanged base first): chr8-143793085-T-TG. GRCh37 (hg19) VCF-style: chr8-144875255-T-TG.
Other names: c.3910-3dup (NM_015356.5).
Identifiers: ClinVar variation 3032850 (VCV003032850.2), dbSNP rs1325977001, ClinGen allele CA585438504.

ClinVar aggregate classification (germline): Likely benign (0 of 4 stars; one submission).

Conditions:
SCRIB-related disorder. Also called: SCRIB-related condition.

Submission:

PreventionGenetics, part of Exact Sciences
Classification: Likely benign for SCRIB-related condition. Last evaluated: 2021-10-27. Review status: no assertion criteria provided. Collection method: clinical testing. Allele origin: germline.
Comment: This variant is classified as likely benign based on ACMG/AMP sequence variant interpretation guidelines (Richards et al. 2015 PMID: 25741868, with internal and published modifications).